The following is an entry in ClinVar:

NM_015166.4(MLC1):c.908_914del (p.Val303fs)

Gene: MLC1 (modulator of VRAC current 1; minus strand). Cytogenetic location: 22q13.33.
Variant type: Deletion.
Coding change: c.908_914del on transcript NM_015166.4 (MANE Select); coding-DNA positions 908 to 914, 7 bases deleted (TGCTGCT; older notation c.908_914delTGCTGCT).
Protein change: p.Val303fs; shifts the reading frame from valine 303.
Molecular consequence: frameshift variant. On other transcripts: non-coding transcript variant (3).
Genome position (GRCh38, 1-based): chr22:50,064,179-50,064,185, AGCAGCA deleted on the plus strand (TGCTGCT on the coding strand, the reverse complement: MLC1 is on the minus strand). VCF-style (leftmost placement, unchanged base first): chr22-50064178-CAGCAGCA-C. GRCh37 (hg19) VCF-style: chr22-50502607-CAGCAGCA-C.
Other names: c.908_914del, p.Val303fs (NM_001376472.1, NM_001376473.1, NM_139202.3 and 5 more transcripts); c.851_857del, p.Val284fs (NM_001376479.1); c.818_824del, p.Val273fs (NM_001376480.1); c.806_812del, p.Val269fs (NM_001376481.1); c.752_758del, p.Val251fs (NM_001376482.1, NM_001376483.1); c.671_677del, p.Val224fs (NM_001376484.1); short protein forms V224fs, V251fs, V269fs, V273fs, V284fs, V303fs.
Identifiers: ClinVar variation 4850864 (VCV004850864.1), dbSNP rs2146773018.
Genomic context (GRCh38, chr22:50,064,178, plus strand): 5'-CTGGATGGCGGTGCCCGTGTTGAGGCCGGCCTGCAGCAGGAGCACTAGCAGCAGCAGCAG[CAGCAGCA>C]CATCGTAGGATGGCTGCAGGCGGAAGGAGGTGTGAGCAGAGTGGCCCAGCCGCCCTCCAG-3'

ClinVar aggregate classification (germline): Pathogenic (1 of 4 stars; one submission).

Conditions:
Fetal anomalies with a likely genetic cause.

Allele frequency attached by ClinVar (database versions not stated): gnomAD exomes below 0.00001.

Submission:

Genetics Laboratory, Great Ormond Street Hospital NHS Foundation Trust, North Thames Genomic Laboratory Hub
Classification: Pathogenic for Fetal anomalies with a likely genetic cause. Last evaluated: 2026-03-16. Review status: criteria provided, single submitter. Criteria: ACGS Best Practice Guidelines for Variant Classification in Rare Disease 2024 v1.2. Collection method: clinical testing. Allele origin: germline. Affected: yes.
Comment: PM2_moderate, PVS1_very-strong